The following is an entry in ClinVar:

ClinVar aggregate classification (germline): Uncertain significance. Review status: criteria provided, multiple submitters, no conflicts (2 of 4 stars). 2 submissions from 2 submitters: Uncertain significance (2). Last evaluated 2021-12-03.

Conditions:
Agammaglobulinemia 6, autosomal recessive (AGM6). Also called: AGAMMAGLOBULINEMIA 6; AGAMMAGLOBULINEMIA, AUTOSOMAL RECESSIVE, DUE TO CD79B DEFECT. Identifiers: MedGen C3150207, MONDO:0012987, OMIM 612692.

Allele frequency attached by ClinVar (database versions not stated): gnomAD 0.00001; ExAC 0.00002; gnomAD exomes 0.00002; TOPMed 0.00003; ESP Exome Variant Server 0.00008.
gnomAD v4.1: 29 of 1,613,884 alleles (0.0018%); highest among the groups gnomAD compares: East Asian, 0.0022%; no homozygotes.

Submissions (2):

Blueprint Genetics
Classification: Uncertain significance. Last evaluated: 2021-12-03. Review status: criteria provided, single submitter. Criteria: ACMG Guidelines, 2015. Collection method: clinical testing. Allele origin: germline.

Labcorp Genetics (formerly Invitae), Labcorp
Classification: Uncertain significance for Agammaglobulinemia 6, autosomal recessive. Last evaluated: 2020-01-24. Review status: criteria provided, single submitter. Criteria: Invitae Variant Classification Sherloc (09022015). Collection method: clinical testing. Allele origin: germline.
Comment: In summary, the available evidence is currently insufficient to determine the role of this variant in disease. Therefore, it has been classified as a Variant of Uncertain Significance. Algorithms developed to predict the effect of missense changes on protein structure and function are either unavailable or do not agree on the potential impact of this missense change (SIFT: "Deleterious"; PolyPhen-2: "Probably Damaging"; Align-GVGD: "Class C0"). This variant has not been reported in the literature in individuals with CD79B-related disease. This variant is present in population databases (rs149266494, ExAC 0.01%). This sequence change replaces threonine with methionine at codon 212 of the CD79B protein (p.Thr212Met). The threonine residue is moderately conserved and there is a moderate physicochemical difference between threonine and methionine.

NM_000626.4(CD79B):c.635C>T (p.Thr212Met)

Genes: CD79B (CD79b molecule; minus strand), GH-LCR (growth hormone locus control region; plus strand). Cytogenetic location: 17q23.3.
Variant type: single nucleotide variant.
Coding change: c.635C>T on transcript NM_000626.4 (MANE Select); coding-DNA position 635, C replaced by T.
Protein change: p.Thr212Met; replaces threonine 212 with methionine.
Molecular consequence: missense variant.
Genome position (GRCh38, 1-based): chr17:63,929,281, G>A on the plus strand (C>T on the coding strand, the complement: CD79B is on the minus strand). VCF-style: chr17-63929281-G-A. GRCh37 (hg19) VCF-style: chr17-62006641-G-A.
Other names: c.638C>T, p.Thr213Met (NM_001039933.3); c.326C>T, p.Thr109Met (NM_001329050.2); c.323C>T, p.Thr108Met (NM_021602.4); short protein forms T109M, T213M, T108M, T212M.
Identifiers: ClinVar variation 643205 (VCV000643205.8), dbSNP rs149266494, ClinGen allele CA8708468.